The following is an entry in ClinVar:

NM_000212.3(ITGB3):c.18_24del (p.Pro7fs)

Genes: ITGB3 (integrin subunit beta 3; plus strand), LOC130061041 (ATAC-STARR-seq lymphoblastoid silent region 8624; plus strand). Cytogenetic location: 17q21.32.
Variant type: Deletion.
Coding change: c.18_24del on transcript NM_000212.3 (MANE Select); coding-DNA positions 18 to 24, 7 bases deleted (GCCCCGG; older notation c.18_24delGCCCCGG).
Protein change: p.Pro7fs; shifts the reading frame from proline 7.
Molecular consequence: frameshift variant.
Genome position (GRCh38, 1-based): chr17:47,253,879-47,253,885, GCCCCGG deleted; deleting any 7 consecutive bases within chr17:47,253,878-47,253,885 gives the same sequence; the c. name uses the placement nearest the transcript's 3' end. VCF-style (leftmost placement, unchanged base first): chr17-47253877-CGGCCCCG-C. GRCh37 (hg19) VCF-style: chr17-45331243-CGGCCCCG-C.
Other names: short protein forms P7fs.
Identifiers: ClinVar variation 4803745 (VCV004803745.1).

ClinVar aggregate classification (germline): Pathogenic (1 of 4 stars; one submission).

Submission:

Labcorp Genetics (formerly Invitae), Labcorp
Classification: Pathogenic. Last evaluated: 2025-08-31. Review status: criteria provided, single submitter. Criteria: Invitae Variant Classification Sherloc (09022015). Collection method: clinical testing. Allele origin: germline.
Comment: This sequence change creates a premature translational stop signal (p.Pro7Argfs*17) in the ITGB3 gene. It is expected to result in an absent or disrupted protein product. Loss-of-function variants in ITGB3 are known to be pathogenic (PMID: 21917754). This variant is not present in population databases (gnomAD no frequency). This variant has not been reported in the literature in individuals affected with ITGB3-related conditions. For these reasons, this variant has been classified as Pathogenic.

Literature cited by the submitters: PubMed 21917754.